The following is an entry in ClinVar:

ClinVar aggregate classification (germline): Pathogenic. Review status: criteria provided, multiple submitters, no conflicts (2 of 4 stars). 3 submissions from 3 submitters: Pathogenic (3). Last evaluated 2025-06-08.

Conditions:
Hereditary hemorrhagic telangiectasia (HHT). Also called: ORW DISEASE; Osler Weber Rendu syndrome; OSLER-RENDU-WEBER DISEASE; Osler hemorrhagic telangiectasia syndrome. Identifiers: Orphanet 774, MedGen C0039445, MONDO:0019180. Disease mechanism: loss of function.
Cardiovascular phenotype. Identifiers: MedGen CN230736.

Submissions (3):

Labcorp Genetics (formerly Invitae), Labcorp
Classification: Pathogenic for Hereditary hemorrhagic telangiectasia. Last evaluated: 2025-06-08. Review status: criteria provided, single submitter. Criteria: Invitae Variant Classification Sherloc (09022015). Collection method: clinical testing. Allele origin: germline.
Comment: This sequence change creates a premature translational stop signal (p.Lys374Serfs*6) in the ENG gene. It is expected to result in an absent or disrupted protein product. Loss-of-function variants in ENG are known to be pathogenic (PMID: 15879500). This variant is not present in population databases (gnomAD no frequency). This premature translational stop signal has been observed in individuals with hereditary hemorrhagic telangiectasia (PMID: 11793473, 20501893; internal data). This variant is also known as c.1120_1123delAAAG. ClinVar contains an entry for this variant (Variation ID: 419225). For these reasons, this variant has been classified as Pathogenic.

Ambry Genetics
Classification: Pathogenic for Cardiovascular phenotype. Last evaluated: 2016-05-11. Review status: criteria provided, single submitter. Criteria: Ambry Variant Classification Scheme 2023. Collection method: clinical testing. Allele origin: germline.
Comment: The c.1121_1124delAAGA pathogenic mutation, located in coding exon 8 of the ENG gene, results from a deletion of 4 nucleotides between nucleotide positions 1121 and 1124, causing a translational frameshift with a predicted alternate stop codon p.(K374Sfs*6). This mutation was described in an individual meeting clinical diagnostic criteria for HHT (Dakeishi M, Hum. Mutat. 2002 Feb; 19(2):140-8). In addition to the clinical data presented in the literature, since frameshifts are typically deleterious in nature, this alteration is interpreted as a disease-causing mutation (ACMG Recommendations for Standards for Interpretation and Reporting of Sequence Variations. Revision 2007. Genet Med. 2008;10:294).

GeneDx
Classification: Pathogenic. Last evaluated: 2015-06-12. Review status: criteria provided, single submitter. Criteria: GeneDx Variant Classification (06012015). Collection method: clinical testing. Allele origin: germline. Affected: yes.
Comment: The c.1121_1124delAAGA deletion in the ENG gene has been reported previously (reported asc.1120_1123 delAAAG due to alternate nomenclature) in one Japanese family with HHT (Dakeishi M etal., 2002). Furthermore, the c.1121_1124delAAGA variant was not observed in approximately 6,500individuals of European and African American ancestry in the NHLBI Exome Sequencing Project,indicating it is not a common benign variant in these populations. This deletion is expected to result in either anabnormal, truncated protein product or loss of protein from this allele through nonsense-mediated mRNAdecay. Other frameshift variants in the ENG gene have been reported in HGMD in association withHHT (Stenson P et al., 2014). In summary, c.1121_1124delAAGA in the ENG gene is interpreted as a pathogenic variant.

Literature cited by the submitters: PubMed 15879500 (cited by Labcorp Genetics (formerly Invitae), Labcorp); PubMed 11793473 (cited by Labcorp Genetics (formerly Invitae), Labcorp and Ambry Genetics); PubMed 20501893 (cited by Labcorp Genetics (formerly Invitae), Labcorp).

NM_001114753.3(ENG):c.1121_1124del (p.Lys374fs)

Gene: ENG (endoglin; minus strand). Cytogenetic location: 9q34.11.
Variant type: Microsatellite.
Coding change: c.1121_1124del on transcript NM_001114753.3 (MANE Select); coding-DNA positions 1121 to 1124, 4 bases deleted (AAGA; older notation c.1121_1124delAAGA).
Protein change: p.Lys374fs; shifts the reading frame from lysine 374.
Molecular consequence: frameshift variant.
Genome position (GRCh38, 1-based): chr9:127,824,314-127,824,317, TCTT deleted on the plus strand (AAGA on the coding strand, the reverse complement: ENG is on the minus strand); deleting any 4 consecutive bases within chr9:127,824,314-127,824,322 gives the same sequence; the c. name uses the placement nearest the transcript's 3' end. VCF-style (leftmost placement, unchanged base first): chr9-127824313-CTCTT-C. GRCh37 (hg19) VCF-style: chr9-130586592-CTCTT-C.
Other names: c.1121_1124delAAGA (NM_000118.3); c.1116_1119AAAG[1], p.Lys374Serfs (NM_000118.4, NM_001406715.1); c.575_578del, p.Lys192fs (NM_001278138.2); short protein forms K192fs, K374fs.
Identifiers: ClinVar variation 419225 (VCV000419225.17), dbSNP rs1064793734, ClinGen allele CA16618747.
Genomic context (GRCh38, chr9:127,824,313, plus strand): 5'-GGAACCAGATGTCCATGTCATCCTGAGCCAGAGGGGCAGGAGTTCCCTTACCGCAACAAG[CTCTT>C]TCTTTAGTACCAGGGTCATGGCGTCGTCGGCACACTTTGTCTGGATCAAGGACATGAGCA-3'